The following is an entry in ClinVar:

NM_032806.6(POMGNT2):c.537G>C (p.Leu179=)

Gene: POMGNT2 (protein O-linked mannose N-acetylglucosaminyltransferase 2 (beta 1,4-); minus strand). Cytogenetic location: 3p22.1.
Variant type: single nucleotide variant.
Coding change: c.537G>C on transcript NM_032806.6 (MANE Select); coding-DNA position 537, G replaced by C.
Protein change: p.Leu179=; no amino-acid change (leucine 179 retained).
Molecular consequence: synonymous variant.
Genome position (GRCh38, 1-based): chr3:43,080,895, C>G on the plus strand (G>C on the coding strand, the complement: POMGNT2 is on the minus strand). VCF-style: chr3-43080895-C-G. GRCh37 (hg19) VCF-style: chr3-43122387-C-G.
Identifiers: ClinVar variation 382900 (VCV000382900.36), dbSNP rs149932476, ClinGen allele CA2340050.

ClinVar aggregate classification (germline): Benign/Likely benign. Review status: criteria provided, multiple submitters, no conflicts (2 of 4 stars). 5 submissions from 5 submitters: Benign (3); Likely benign (2). Last evaluated 2026-09-01.

Conditions:
Muscular dystrophy-dystroglycanopathy (congenital with brain and eye anomalies), type a, 8 (MDDGA8). Also called: WALKER-WARBURG SYNDROME OR MUSCLE-EYE-BRAIN DISEASE, GTDC2-RELATED. Identifiers: Orphanet 899, MedGen C3553813, MONDO:0013904, OMIM 614830.

Allele frequency attached by ClinVar (database versions not stated): gnomAD exomes 0.00058 and 0.00119; ExAC 0.00135; 1000 Genomes Project 30x 0.00281; 1000 Genomes Project 0.00339; gnomAD 0.00410 and 0.00458; TOPMed 0.00478; ESP Exome Variant Server 0.00484.
gnomAD v4.1: 1,536 of 1,614,160 alleles (0.095%); highest among the groups gnomAD compares: African/African-American, 1.5%; 10 homozygotes.

Submissions (5):

CeGaT Center for Human Genetics Tuebingen
Classification: Likely benign. Last evaluated: 2026-09-01. Review status: criteria provided, single submitter. Criteria: CeGaT Center For Human Genetics Tuebingen Variant Classification Criteria Version 2. Collection method: clinical testing. Allele origin: germline. Affected: yes. Observed: 4 variant alleles.
Comment: POMGNT2: BP4, BS1

Labcorp Genetics (formerly Invitae), Labcorp
Classification: Benign for Muscular dystrophy-dystroglycanopathy (congenital with brain and eye anomalies), type a, 8. Last evaluated: 2026-01-28. Review status: criteria provided, single submitter. Criteria: Invitae Variant Classification Sherloc (09022015). Collection method: clinical testing. Allele origin: germline.

Blueprint Genetics
Classification: Likely benign. Last evaluated: 2024-11-01. Review status: criteria provided, single submitter. Criteria: ACMG Guidelines, 2015. Collection method: clinical testing. Allele origin: germline.

GeneDx
Classification: Benign. Last evaluated: 2016-02-22. Review status: criteria provided, single submitter. Criteria: GeneDx Variant Classification (06012015). Collection method: clinical testing. Allele origin: germline. Affected: yes.
Comment: This variant is considered likely benign or benign based on one or more of the following criteria: it is a conservative change, it occurs at a poorly conserved position in the protein, it is predicted to be benign by multiple in silico algorithms, and/or has population frequency not consistent with disease.

Breakthrough Genomics
Classification: Benign. Review status: criteria provided, single submitter. Criteria: ACMG Guidelines, 2015. Collection method: not provided. Allele origin: germline. Inheritance: Autosomal recessive inheritance. Affected: yes.